The following is an entry in ClinVar:

NM_005630.3(SLCO2A1):c.1115A>G (p.Asn372Ser)

Gene: SLCO2A1 (solute carrier organic anion transporter family member 2A1; minus strand). Cytogenetic location: 3q22.1.
Variant type: single nucleotide variant.
Coding change: c.1115A>G on transcript NM_005630.3 (MANE Select); coding-DNA position 1115, A replaced by G.
Protein change: p.Asn372Ser; replaces asparagine 372 with serine.
Molecular consequence: missense variant.
Genome position (GRCh38, 1-based): chr3:133,947,436, T>C on the plus strand (A>G on the coding strand, the complement: SLCO2A1 is on the minus strand). VCF-style: chr3-133947436-T-C. GRCh37 (hg19) VCF-style: chr3-133666280-T-C.
Other names: short protein forms N372S.
Identifiers: ClinVar variation 1355475 (VCV001355475.6), dbSNP rs1263377038, ClinGen allele CA354616740.

ClinVar aggregate classification (germline): Uncertain significance (1 of 4 stars; one submission).

Submission:

Labcorp Genetics (formerly Invitae), Labcorp
Classification: Uncertain significance. Last evaluated: 2022-08-23. Review status: criteria provided, single submitter. Criteria: Invitae Variant Classification Sherloc (09022015). Collection method: clinical testing. Allele origin: germline.
Comment: This sequence change replaces asparagine, which is neutral and polar, with serine, which is neutral and polar, at codon 372 of the SLCO2A1 protein (p.Asn372Ser). In summary, the available evidence is currently insufficient to determine the role of this variant in disease. Therefore, it has been classified as a Variant of Uncertain Significance. Algorithms developed to predict the effect of missense changes on protein structure and function are either unavailable or do not agree on the potential impact of this missense change (SIFT: "Tolerated"; PolyPhen-2: "Probably Damaging"; Align-GVGD: "Class C0"). ClinVar contains an entry for this variant (Variation ID: 1355475). This variant has not been reported in the literature in individuals affected with SLCO2A1-related conditions. This variant is not present in population databases (gnomAD no frequency).